The following is an entry in ClinVar:

NM_001605.3(AARS1):c.1499A>G (p.Glu500Gly)

Gene: AARS1 (alanyl-tRNA synthetase 1; minus strand). Cytogenetic location: 16q22.1.
Variant type: single nucleotide variant.
Coding change: c.1499A>G on transcript NM_001605.3 (MANE Select); coding-DNA position 1499, A replaced by G.
Protein change: p.Glu500Gly; replaces glutamic acid 500 with glycine.
Molecular consequence: missense variant.
Genome position (GRCh38, 1-based): chr16:70,262,518, T>C on the plus strand (A>G on the coding strand, the complement: AARS1 is on the minus strand). VCF-style: chr16-70262518-T-C. GRCh37 (hg19) VCF-style: chr16-70296421-T-C.
Other names: short protein forms E500G.
Identifiers: ClinVar variation 3656211 (VCV003656211.2).

ClinVar aggregate classification (germline): Uncertain significance (1 of 4 stars; one submission).

Conditions:
Charcot-Marie-Tooth disease type 2. Also called: Charcot-Marie-Tooth type 2. Identifiers: Orphanet 64746, MedGen C0270914, MONDO:0018993.

gnomAD v4.1: 1 of 1,611,340 alleles (0.000062%); no homozygotes.

Submission:

Labcorp Genetics (formerly Invitae), Labcorp
Classification: Uncertain significance for Charcot-Marie-Tooth disease type 2. Last evaluated: 2024-06-11. Review status: criteria provided, single submitter. Criteria: Invitae Variant Classification Sherloc (09022015). Collection method: clinical testing. Allele origin: germline.
Comment: This sequence change replaces glutamic acid, which is acidic and polar, with glycine, which is neutral and non-polar, at codon 500 of the AARS protein (p.Glu500Gly). This variant is present in population databases (no rsID available, gnomAD 0.005%). This variant has not been reported in the literature in individuals affected with AARS-related conditions. Advanced modeling of protein sequence and biophysical properties (such as structural, functional, and spatial information, amino acid conservation, physicochemical variation, residue mobility, and thermodynamic stability) performed at Invitae indicates that this missense variant is not expected to disrupt AARS protein function with a negative predictive value of 95%. In summary, the available evidence is currently insufficient to determine the role of this variant in disease. Therefore, it has been classified as a Variant of Uncertain Significance.